The following is an entry in ClinVar:

ClinVar aggregate classification (germline): Pathogenic (1 of 4 stars; one submission).

Conditions:
Multiple congenital exostosis (EXT). Also called: Hereditary multiple osteochondromas; Multiple osteochondromas; MULTIPLE CARTILAGINOUS EXOSTOSES; Multiple exostoses; Hereditary multiple exostoses; Hereditary multiple exostosis. Identifiers: Orphanet 321, MedGen C0015306, MONDO:0005508, HP:0002762.

Submission:

Labcorp Genetics (formerly Invitae), Labcorp
Classification: Pathogenic for Multiple congenital exostosis. Last evaluated: 2024-12-07. Review status: criteria provided, single submitter. Criteria: Invitae Variant Classification Sherloc (09022015). Collection method: clinical testing. Allele origin: germline.
Comment: This sequence change creates a premature translational stop signal (p.Cys334Valfs*25) in the EXT1 gene. It is expected to result in an absent or disrupted protein product. Loss-of-function variants in EXT1 are known to be pathogenic (PMID: 10679937, 11391482, 19810120). This variant is not present in population databases (gnomAD no frequency). This variant has not been reported in the literature in individuals affected with EXT1-related conditions. For these reasons, this variant has been classified as Pathogenic.

Literature cited by the submitters: PubMed 10679937; PubMed 11391482; PubMed 19810120.

NM_000127.3(EXT1):c.1000del (p.Cys334fs)

Gene: EXT1 (exostosin glycosyltransferase 1; minus strand). Cytogenetic location: 8q24.11.
Variant type: Deletion.
Coding change: c.1000del on transcript NM_000127.3 (MANE Select); coding-DNA position 1000, one base deleted (T; older notation c.1000delT).
Protein change: p.Cys334fs; shifts the reading frame from cysteine 334.
Molecular consequence: frameshift variant.
Genome position (GRCh38, 1-based): chr8:117,837,164, A deleted on the plus strand (T on the coding strand, the reverse complement: EXT1 is on the minus strand). VCF-style (leftmost placement, unchanged base first): chr8-117837163-CA-C. GRCh37 (hg19) VCF-style: chr8-118849402-CA-C.
Other names: short protein forms C334fs.
Identifiers: ClinVar variation 3726292 (VCV003726292.2).